The following is an entry in ClinVar:

NM_000081.4(LYST):c.7060-6G>A

Gene: LYST (lysosomal trafficking regulator; minus strand). Cytogenetic location: 1q42.3.
Variant type: single nucleotide variant.
Coding change: c.7060-6G>A on transcript NM_000081.4 (MANE Select); 6 bases into the intron before coding-DNA position 7060, G replaced by A.
Molecular consequence: intron variant.
Genome position (GRCh38, 1-based): chr1:235,755,653, C>T on the plus strand (G>A on the coding strand, the complement: LYST is on the minus strand). VCF-style: chr1-235755653-C-T. GRCh37 (hg19) VCF-style: chr1-235918953-C-T.
Other names: c.7060-6G>A (NM_001301365.1, NM_000081.3).
Identifiers: ClinVar variation 1540340 (VCV001540340.8), dbSNP rs1666971494, ClinGen allele CA2486630912.

ClinVar aggregate classification (germline): Likely benign. Review status: criteria provided, multiple submitters, no conflicts (2 of 4 stars). 2 submissions from 2 submitters: Likely benign (2). Last evaluated 2026-05-14.

Conditions:
LYST-related disorder. Also called: LYST-related condition.
Chédiak-Higashi syndrome (CHS). Also called: Chediak-Higashi Syndrome. Identifiers: Orphanet 167, MedGen C0007965, MONDO:0008963, OMIM 214500.

Allele frequency attached by ClinVar (database versions not stated): gnomAD exomes below 0.00001.
gnomAD v4.1: 2 of 1,561,288 alleles (0.00013%); highest among the groups gnomAD compares: Non-Finnish European, 0.000088%; no homozygotes.

Submissions (2):

PreventionGenetics, part of Exact Sciences
Classification: Likely benign for LYST-related condition. Last evaluated: 2026-05-14. Review status: criteria provided, single submitter. Criteria: ACMG Guidelines, 2015. Collection method: clinical testing. Allele origin: germline.
Comment: This variant is classified as likely benign based on ACMG/AMP sequence variant interpretation guidelines (Richards et al. 2015 PMID: 25741868, with internal and published modifications).

Labcorp Genetics (formerly Invitae), Labcorp
Classification: Likely benign for Chédiak-Higashi syndrome. Last evaluated: 2023-10-27. Review status: criteria provided, single submitter. Criteria: Invitae Variant Classification Sherloc (09022015). Collection method: clinical testing. Allele origin: germline.